The following is an entry in ClinVar:

ClinVar aggregate classification (germline): Conflicting classifications of pathogenicity. Review status: criteria provided, conflicting classifications (1 of 4 stars). 4 submissions from 4 submitters: Uncertain significance (3); Likely benign (1). Last evaluated 2026-04-29.

Conditions:
Cockayne spectrum with or without cerebrooculofacioskeletal syndrome. Identifiers: MedGen CN315928, MONDO:0100506.
Inborn genetic diseases. Identifiers: MedGen C0950123, MeSH D030342.

Allele frequency attached by ClinVar (database versions not stated): TOPMed 0.00003; gnomAD 0.00004 and 0.00005; gnomAD exomes 0.00005 and 0.00007; ExAC 0.00008; ESP Exome Variant Server 0.00008.
gnomAD v4.1: 88 of 1,614,092 alleles (0.0055%); highest among the groups gnomAD compares: South Asian, 0.035%; no homozygotes.

Submissions (4):

Myriad Genetics, Inc.
Classification: Uncertain significance for Cockayne spectrum with or without cerebrooculofacioskeletal syndrome. Last evaluated: 2026-04-29. Review status: criteria provided, single submitter. Criteria: Myriad Autosomal Dominant, Autosomal Recessive and X-Linked Classification Criteria (2023). Collection method: clinical testing. Allele origin: unknown.
Comment: NM_000124.2(ERCC6):c.352C>T(H118Y) is a missense variant classified as a variant of uncertain significance in the context of ERCC6-related disorders. H118Y has not been observed in cases with relevant disease. Relevant functional assessments of this variant are not available in the literature. H118Y has been observed in referenced population frequency databases. In summary, there is insufficient evidence to classify NM_000124.2(ERCC6):c.352C>T(H118Y) as pathogenic or benign. Please note: this variant was assessed in the context of healthy population screening.

Labcorp Genetics (formerly Invitae), Labcorp
Classification: Likely benign. Last evaluated: 2025-12-29. Review status: criteria provided, single submitter. Criteria: Invitae Variant Classification Sherloc (09022015). Collection method: clinical testing. Allele origin: germline.

Ambry Genetics
Classification: Uncertain significance for Inborn genetic diseases. Last evaluated: 2024-10-20. Review status: criteria provided, single submitter. Criteria: Ambry Variant Classification Scheme 2023. Collection method: clinical testing. Allele origin: germline.

CeGaT Center for Human Genetics Tuebingen
Classification: Uncertain significance. Last evaluated: 2022-11-01. Review status: criteria provided, single submitter. Criteria: CeGaT Center For Human Genetics Tuebingen Variant Classification Criteria Version 2. Collection method: clinical testing. Allele origin: germline. Affected: yes. Observed: 1 variant allele.
Comment: ERCC6: PM2, BP4

NM_000124.4(ERCC6):c.352C>T (p.His118Tyr)

Gene: ERCC6 (ERCC excision repair 6, chromatin remodeling factor; minus strand). Cytogenetic location: 10q11.23.
Variant type: single nucleotide variant.
Coding change: c.352C>T on transcript NM_000124.4 (MANE Select); coding-DNA position 352, C replaced by T.
Protein change: p.His118Tyr; replaces histidine 118 with tyrosine.
Molecular consequence: missense variant.
Genome position (GRCh38, 1-based): chr10:49,532,613, G>A on the plus strand (C>T on the coding strand, the complement: ERCC6 is on the minus strand). VCF-style: chr10-49532613-G-A. GRCh37 (hg19) VCF-style: chr10-50740659-G-A.
Other names: c.352C>T, p.His118Tyr (NM_001277058.2, NM_001277059.2, NM_001346440.2); c.352C>T (NM_000124.2); short protein forms H118Y.
Identifiers: ClinVar variation 1412539 (VCV001412539.31), dbSNP rs377708438, ClinGen allele CA5496571.